The following is an entry in ClinVar:

ClinVar aggregate classification (germline): Likely pathogenic (1 of 4 stars; one submission).

Submission:

Laboratorio de Genetica e Diagnostico Molecular, Hospital Israelita Albert Einstein
Classification: Likely pathogenic. Last evaluated: 2019-04-24. Review status: criteria provided, single submitter. Criteria: ACMG Guidelines, 2015. Collection method: clinical testing. Allele origin: germline. Affected: yes.
Comment: ACMG classification criteria: PVS1, PM2

NM_001172509.2(SATB2):c.382del (p.Leu128fs)

Gene: SATB2 (SATB homeobox 2; minus strand). Cytogenetic location: 2q33.1.
Variant type: Deletion.
Coding change: c.382del on transcript NM_001172509.2 (MANE Select); coding-DNA position 382, one base deleted (C; older notation c.382delC).
Protein change: p.Leu128fs; shifts the reading frame from leucine 128.
Molecular consequence: frameshift variant.
Genome position (GRCh38, 1-based): chr2:199,381,785, G deleted on the plus strand (C on the coding strand, the reverse complement: SATB2 is on the minus strand); the first of 5 consecutive G bases (chr2:199,381,785-199,381,789); deleting any one gives the same sequence. VCF-style (leftmost placement, unchanged base first): chr2-199381784-AG-A. GRCh37 (hg19) VCF-style: chr2-200246507-AG-A.
Other names: c.382del, p.Leu128fs (NM_001172517.1, NM_015265.4); c.382delC (NM_001172509.2); short protein forms L128fs.
Identifiers: ClinVar variation 1690789 (VCV001690789.2), dbSNP rs2105867988, ClinGen allele CA2573134310.